The following is an entry in ClinVar:

NM_000828.5(GRIA3):c.2437A>C (p.Lys813Gln)

Gene: GRIA3 (glutamate ionotropic receptor AMPA type subunit 3; plus strand). Cytogenetic location: Xq25.
Variant type: single nucleotide variant.
Coding change: c.2437A>C on transcript NM_000828.5 (MANE Plus Clinical); coding-DNA position 2437, A replaced by C.
Protein change: p.Lys813Gln; replaces lysine 813 with glutamine.
Molecular consequence: missense variant. On other transcripts: intron variant (1).
Genome position (GRCh38, 1-based): chrX:123,465,786, A>C. VCF-style: chrX-123465786-A-C. GRCh37 (hg19) VCF-style: chrX-122599637-A-C.
Other names: c.2324+674A>C (NM_007325.5); short protein forms K813Q.
Identifiers: ClinVar variation 3350732 (VCV003350732.2).
Genomic context (GRCh38, chrX:123,465,786, plus strand): 5'-AAATTGAAAAACAAATGGTGGTACGACAAAGGAGAGTGCGGCAGCGGGGGCGGTGACTCC[A>C]AGGTCAGCCTCAATGTCACCACAACCGGGTACCCTTAGTGACGAGTAATCGGCAAGACTG-3'
Protein context (NP_000819.4, residues 803-823): GECGSGGGDS[Lys813Gln]DKTSALSLSN

ClinVar aggregate classification (germline): Uncertain significance. Review status: criteria provided, single submitter (1 of 4 stars). 2 submissions from 2 submitters: Uncertain significance (1). 1 of the submissions does not count toward it. Last evaluated 2026-03-02.

Conditions:
Inborn genetic diseases. Identifiers: MedGen C0950123, MeSH D030342.
GRIA3-related disorder. Also called: GRIA3-related condition.

Submissions (2):

Ambry Genetics
Classification: Uncertain significance for Inborn genetic diseases. Last evaluated: 2026-03-02. Review status: criteria provided, single submitter. Criteria: Ambry Variant Classification Scheme 2023. Collection method: clinical testing. Allele origin: germline.
Comment: The c.2437A>C (p.K813Q) alteration is located in exon 14 (coding exon 14) of the GRIA3 gene. This alteration results from a A to C substitution at nucleotide position 2437, causing the lysine (K) at amino acid position 813 to be replaced by a glutamine (Q). This variant was not reported in population-based cohorts in the Genome Aggregation Database (gnomAD). This amino acid position is highly conserved in available vertebrate species. This missense variant is located in a region that has a low rate of benign missense variation (Lek, 2016; Firth, 2009). The in silico prediction for this alteration is inconclusive. Based on insufficient or conflicting evidence, the clinical significance of this alteration remains unclear.

PreventionGenetics, part of Exact Sciences
Classification: Uncertain significance for GRIA3-related condition. Last evaluated: 2024-05-06. Review status: no assertion criteria provided. Collection method: clinical testing. Allele origin: germline. Not counted in ClinVar's aggregate classification.
Comment: The GRIA3 c.2437A>C variant is predicted to result in the amino acid substitution p.Lys813Gln. To our knowledge, this variant has not been reported in the literature or in a large population database, indicating this variant is rare. At this time, the clinical significance of this variant is uncertain due to the absence of conclusive functional and genetic evidence.